The following is an entry in ClinVar:

NM_000257.4(MYH7):c.2409G>C (p.Lys803Asn)

Genes: MYH7 (myosin heavy chain 7; minus strand), LOC126861898 (BRD4-independent group 4 enhancer GRCh37_chr14:23893609-23894808; plus strand). Cytogenetic location: 14q11.2.
Variant type: single nucleotide variant.
Coding change: c.2409G>C on transcript NM_000257.4 (MANE Select); coding-DNA position 2409, G replaced by C.
Protein change: p.Lys803Asn; replaces lysine 803 with asparagine.
Molecular consequence: missense variant.
Genome position (GRCh38, 1-based): chr14:23,425,296, C>G on the plus strand (G>C on the coding strand, the complement: MYH7 is on the minus strand). VCF-style: chr14-23425296-C-G. GRCh37 (hg19) VCF-style: chr14-23894505-C-G.
Other names: c.2409G>C, p.Lys803Asn (NM_001407004.1); short protein forms K803N.
Identifiers: ClinVar variation 4801942 (VCV004801942.1).
Genomic context (GRCh38, chr14:23,425,296, plus strand): 5'-GCCTGGGCCTCAGAGAAGCGGGAAACCTCCTCTTGAGATCTCTCACCTACGTTCCAGCAG[C>G]TTTTTGTACTCCATTCTGGCGAGCACACCTCGGGACTGGGCCTGGATACGCGTGATGATG-3'
Protein context (NP_000248.2, residues 793-813): RGVLARMEYK[Lys803Asn]LLERRDSLLV

ClinVar aggregate classification (germline): Uncertain significance (1 of 4 stars; one submission).

Conditions:
Hypertrophic cardiomyopathy. Also called: HYPERTROPHIC MYOCARDIOPATHY. Identifiers: Orphanet 217569, MedGen C0007194, MeSH D002312, MONDO:0005045, HP:0001639.

Submission:

Labcorp Genetics (formerly Invitae), Labcorp
Classification: Uncertain significance for Hypertrophic cardiomyopathy. Last evaluated: 2026-01-12. Review status: criteria provided, single submitter. Criteria: Invitae Variant Classification Sherloc (09022015). Collection method: clinical testing. Allele origin: germline.
Comment: This sequence change replaces lysine, which is basic and polar, with asparagine, which is neutral and polar, at codon 803 of the MYH7 protein (p.Lys803Asn). This variant is not present in population databases (gnomAD no frequency). This variant has not been reported in the literature in individuals affected with MYH7-related conditions. Invitae Evidence Modeling of protein sequence and biophysical properties (such as structural, functional, and spatial information, amino acid conservation, physicochemical variation, residue mobility, and thermodynamic stability) indicates that this missense variant is expected to disrupt MYH7 protein function with a positive predictive value of 95%. In summary, the available evidence is currently insufficient to determine the role of this variant in disease. Therefore, it has been classified as a Variant of Uncertain Significance.